The following is an entry in ClinVar:

ClinVar aggregate classification (germline): Likely pathogenic (1 of 4 stars; one submission).

Conditions:
Autosomal recessive limb-girdle muscular dystrophy type 2J (LGMDR10). Also called: Limb-girdle muscular dystrophy, type 2J; MUSCULAR DYSTROPHY, LIMB-GIRDLE, AUTOSOMAL RECESSIVE 10. Identifiers: Orphanet 140922, MedGen C1837342, MONDO:0012127, OMIM 608807.
Dilated cardiomyopathy 1G (CMD1G). Identifiers: Orphanet 154, MedGen C1858763, MONDO:0011400, OMIM 604145.

Submission:

Labcorp Genetics (formerly Invitae), Labcorp
Classification: Likely pathogenic for Dilated cardiomyopathy 1G; Autosomal recessive limb-girdle muscular dystrophy type 2J. Last evaluated: 2025-10-02. Review status: criteria provided, single submitter. Criteria: Invitae Variant Classification Sherloc (09022015). Collection method: clinical testing. Allele origin: germline.
Comment: This sequence change creates a premature translational stop signal (p.Lys3109*) in the TTN gene. While this is not anticipated to result in nonsense mediated decay, it is expected to create a truncated TTN protein. This variant is not present in population databases (gnomAD no frequency). This variant has not been reported in the literature in individuals affected with TTN-related conditions. ClinVar contains an entry for this variant (Variation ID: 2023459). This variant is located in the I band of TTN (PMID: 25589632). Truncating variants in this region have been reported in individuals affected with autosomal recessive centronuclear myopathy (PMID: 23975875, internal data). Truncating variants in this region have also been identified in individuals affected with autosomal dominant dilated cardiomyopathy and/or cardio-related conditions (PMID: 27869827, 32964742, internal data). In summary, the currently available evidence indicates that the variant is pathogenic, but additional data are needed to prove that conclusively. Therefore, this variant has been classified as Likely Pathogenic.

Literature cited by the submitters: PubMed 25589632; PubMed 23975875; PubMed 27869827; PubMed 32964742.

NM_001267550.2(TTN):c.9325A>T (p.Lys3109Ter)

Gene: TTN (titin; minus strand). Cytogenetic location: 2q31.2.
Variant type: single nucleotide variant.
Coding change: c.9325A>T on transcript NM_001267550.2 (MANE Select); coding-DNA position 9325, A replaced by T.
Protein change: p.Lys3109Ter; replaces lysine 3109 with a stop codon.
Molecular consequence: nonsense.
Genome position (GRCh38, 1-based): chr2:178,767,905, T>A on the plus strand (A>T on the coding strand, the complement: TTN is on the minus strand). VCF-style: chr2-178767905-T-A. GRCh37 (hg19) VCF-style: chr2-179632632-T-A.
Other names: c.9325A>T, p.Lys3109Ter (NM_001256850.1, NM_133378.4, NM_133379.5); c.9187A>T, p.Lys3063Ter (NM_003319.4, NM_133432.3, NM_133437.4); short protein forms K3109*, K3063*.
Identifiers: ClinVar variation 2023459 (VCV002023459.4), dbSNP rs2532343902, ClinGen allele CA349675396.